The following is an entry in ClinVar:

ClinVar aggregate classification (germline): Pathogenic/Likely pathogenic. Review status: criteria provided, multiple submitters, no conflicts (2 of 4 stars). 2 submissions from 2 submitters: Pathogenic (1); Likely pathogenic (1). Last evaluated 2025-08-19.

Conditions:
Maple syrup urine disease type 1B (MSUD1B). Also called: MSUD type IB; MSUD type 3 (formerly); MSUD due to deficiency of e1-beta subunit of branched-chain alpha-keto acid dehydrogenase complex. Identifiers: MedGen C2930990, MONDO:0023692, OMIM 620698.
Maple syrup urine disease (MSUD). Identifiers: Orphanet 511, MedGen C0024776, MeSH D008375, MONDO:0009563. Disease mechanism: loss of function.

Submissions (2):

Myriad Genetics, Inc.
Classification: Pathogenic for Maple syrup urine disease type 1B. Last evaluated: 2025-08-19. Review status: criteria provided, single submitter. Criteria: Myriad Autosomal Dominant, Autosomal Recessive and X-Linked Classification Criteria (2023). Collection method: clinical testing. Allele origin: unknown.
Comment: NM_183050.2(BCKDHB):c.275-1G>A is a variant in a canonical splice site classified as pathogenic in the context of maple syrup urine disease type Ib. c.275-1G>A has been observed in a case with relevant disease (PMID: 38837343). Relevant functional assessments of this variant are not available in the literature. c.275-1G>A has not been observed in referenced population frequency databases. In summary, NM_183050.2(BCKDHB):c.275-1G>A is a variant in a canonical splice site that has been observed more frequently in cases with the relevant disease than in healthy populations. Please note: this variant was assessed in the context of healthy population screening.

Baylor Genetics
Classification: Likely pathogenic for Maple syrup urine disease type 1A. Last evaluated: 2023-02-26. Review status: criteria provided, single submitter. Criteria: ACMG Guidelines, 2015. Collection method: clinical testing. Allele origin: unknown.

Literature cited by the submitters: PubMed 38837343 (cited by Myriad Genetics, Inc.).

NM_183050.4(BCKDHB):c.275-1G>A

Gene: BCKDHB (branched chain keto acid dehydrogenase E1 subunit beta; plus strand). Cytogenetic location: 6q14.1.
Variant type: single nucleotide variant.
Coding change: c.275-1G>A on transcript NM_183050.4 (MANE Select); the canonical splice acceptor site of the intron before coding-DNA position 275, G replaced by A.
Molecular consequence: splice acceptor variant.
Genome position (GRCh38, 1-based): chr6:80,129,160, G>A. VCF-style: chr6-80129160-G-A. GRCh37 (hg19) VCF-style: chr6-80838877-G-A.
Other names: c.65-1G>A (NM_001424043.1, NM_001318975.1); c.275-1G>A (NM_001424040.1, NM_001424041.1, NM_001424038.1 and 9 more transcripts).
Identifiers: ClinVar variation 2680140 (VCV002680140.2), dbSNP rs2481575908, ClinGen allele CA364659125.
Genomic context (GRCh38, chr6:80,129,160, plus strand): 5'-CATTGTTAGTATTATTTAGAGATTATTAAATAAAATGTATTATTTAAATACTGTTTTTCA[G>A]TAATATTTGGTGAAGATGTTGCCTTTGGTGGAGTCTTTAGATGCACTGTTGGCTTGCGAG-3'